The following is an entry in ClinVar:

NM_000022.4(ADA):c.845+1G>C

Gene: ADA (adenosine deaminase; minus strand). Cytogenetic location: 20q13.12.
Variant type: single nucleotide variant.
Coding change: c.845+1G>C on transcript NM_000022.4 (MANE Select); the canonical splice donor site of the intron after coding-DNA position 845, G replaced by C.
Molecular consequence: splice donor variant.
Genome position (GRCh38, 1-based): chr20:44,622,587, C>G on the plus strand (G>C on the coding strand, the complement: ADA is on the minus strand). VCF-style: chr20-44622587-C-G. GRCh37 (hg19) VCF-style: chr20-43251228-C-G.
Other names: c.440+1G>C (NM_001322050.2); c.773+1G>C (NM_001322051.2).
Identifiers: ClinVar variation 551944 (VCV000551944.10), dbSNP rs766590645, ClinGen allele CA9871495.

ClinVar aggregate classification (germline): Pathogenic/Likely pathogenic. Review status: criteria provided, multiple submitters, no conflicts (2 of 4 stars). 3 submissions from 3 submitters: Pathogenic (1); Likely pathogenic (1). 1 of the submissions does not count toward it. Last evaluated 2024-08-29.

Conditions:
Severe combined immunodeficiency, autosomal recessive, T cell-negative, B cell-negative, NK cell-negative, due to adenosine deaminase deficiency. Also called: ADA-SCID; SCID DUE TO ADA DEFICIENCY; SCID DUE TO ADA DEFICIENCY, EARLY-ONSET; ADA deficiency; Adenosine deaminase deficient severe combined immunodeficiency; Severe combined immunodeficiency due to ADA deficiency. Identifiers: Orphanet 277, MedGen C0392607, MONDO:0007064, OMIM 102700.

Allele frequency attached by ClinVar (database versions not stated): gnomAD exomes below 0.00001; ExAC 0.00001; gnomAD 0.00001.
gnomAD v4.1: 3 of 1,614,148 alleles (0.00019%); highest among the groups gnomAD compares: Admixed American, 0.0033%; no homozygotes.

Submissions (3):

Labcorp Genetics (formerly Invitae), Labcorp
Classification: Pathogenic for Severe combined immunodeficiency, autosomal recessive, T cell-negative, B cell-negative, NK cell-negative, due to adenosine deaminase deficiency. Last evaluated: 2024-08-29. Review status: criteria provided, single submitter. Criteria: Invitae Variant Classification Sherloc (09022015). Collection method: clinical testing. Allele origin: germline.
Comment: This sequence change affects a donor splice site in intron 9 of the ADA gene. It is expected to disrupt RNA splicing. Variants that disrupt the donor or acceptor splice site typically lead to a loss of protein function (PMID: 16199547), and loss-of-function variants in ADA are known to be pathogenic (PMID: 26255240, 26376800). This variant is present in population databases (rs766590645, gnomAD 0.003%). Disruption of this splice site has been observed in individual(s) with primary immunodeficiency and/or severe combined immunodeficiency (PMID: 32135276; internal data). In at least one individual the data is consistent with being in trans (on the opposite chromosome) from a pathogenic variant. ClinVar contains an entry for this variant (Variation ID: 551944). Algorithms developed to predict the effect of sequence changes on RNA splicing suggest that this variant may disrupt the consensus splice site. For these reasons, this variant has been classified as Pathogenic.

Baylor Genetics
Classification: Likely pathogenic for Severe combined immunodeficiency, autosomal recessive, T cell-negative, B cell-negative, NK cell-negative, due to adenosine deaminase deficiency. Last evaluated: 2024-01-05. Review status: criteria provided, single submitter. Criteria: ACMG Guidelines, 2015. Collection method: clinical testing. Allele origin: unknown.

Counsyl
Classification: Likely pathogenic for Severe combined immunodeficiency, autosomal recessive, T cell-negative, B cell-negative, NK cell-negative, due to adenosine deaminase deficiency. Last evaluated: 2017-10-04. Review status: no assertion criteria provided. Collection method: clinical testing. Allele origin: unknown. Not counted in ClinVar's aggregate classification.

Literature cited by the submitters: PubMed 16199547 (cited by Labcorp Genetics (formerly Invitae), Labcorp); PubMed 26255240 (cited by Labcorp Genetics (formerly Invitae), Labcorp); PubMed 26376800 (cited by Labcorp Genetics (formerly Invitae), Labcorp); PubMed 32135276 (cited by Labcorp Genetics (formerly Invitae), Labcorp).